The following is an entry in ClinVar:

NM_182641.4(BPTF):c.849G>A (p.Met283Ile)

Gene: BPTF (bromodomain PHD finger transcription factor; plus strand). Cytogenetic location: 17q24.2.
Variant type: single nucleotide variant.
Coding change: c.849G>A on transcript NM_182641.4 (MANE Select); coding-DNA position 849, G replaced by A.
Protein change: p.Met283Ile; replaces methionine 283 with isoleucine.
Molecular consequence: missense variant.
Genome position (GRCh38, 1-based): chr17:67,854,175, G>A. VCF-style: chr17-67854175-G-A. GRCh37 (hg19) VCF-style: chr17-65850291-G-A.
Other names: c.849G>A, p.Met283Ile (NM_004459.7); c.849G>A (NM_182641.3); short protein forms M283I.
Identifiers: ClinVar variation 2171736 (VCV002171736.5), dbSNP rs764015064, ClinGen allele CA8725070.
Genomic context (GRCh38, chr17:67,854,175, plus strand): 5'-TCCTTTTCGCTTTGAGGACTTTTGTGCAGCTCTGGTGAGCCAAGAGCAGTGCACACTCAT[G>A]GCAGAGATGCATGTTGTGCTTTTGAAAGCAGTTCTGCGTGAAGAAGACACTTCCAATACT-3'
Protein context (NP_872579.2, residues 273-293): ALVSQEQCTL[Met283Ile]AEMHVVLLKA

ClinVar aggregate classification (germline): Uncertain significance. Review status: criteria provided, multiple submitters, no conflicts (2 of 4 stars). 2 submissions from 2 submitters: Uncertain significance (2). Last evaluated 2024-10-09.

Conditions:
BPTF-related disorder. Also called: BPTF-related condition.

Allele frequency attached by ClinVar (database versions not stated): ExAC 0.00001; gnomAD exomes 0.00001; TOPMed 0.00001.
gnomAD v4.1: 3 of 1,614,182 alleles (0.00019%); highest among the groups gnomAD compares: Admixed American, 0.0033%; no homozygotes.

Submissions (2):

PreventionGenetics, part of Exact Sciences
Classification: Uncertain significance for BPTF-related condition. Last evaluated: 2024-10-09. Review status: criteria provided, single submitter. Criteria: ACMG Guidelines, 2015. Collection method: clinical testing. Allele origin: germline.
Comment: The BPTF c.849G>A variant is predicted to result in the amino acid substitution p.Met283Ile. To our knowledge, this variant has not been reported in the literature. This variant is reported in 0.0058% of alleles in individuals of Latino descent in gnomAD. At this time, the clinical significance of this variant is uncertain due to the absence of conclusive functional and genetic evidence.

Labcorp Genetics (formerly Invitae), Labcorp
Classification: Uncertain significance. Last evaluated: 2022-08-03. Review status: criteria provided, single submitter. Criteria: Invitae Variant Classification Sherloc (09022015). Collection method: clinical testing. Allele origin: germline.
Comment: This variant is present in population databases (rs764015064, gnomAD 0.006%). This variant has not been reported in the literature in individuals affected with BPTF-related conditions. Algorithms developed to predict the effect of missense changes on protein structure and function (SIFT, PolyPhen-2, Align-GVGD) all suggest that this variant is likely to be tolerated. In summary, the available evidence is currently insufficient to determine the role of this variant in disease. Therefore, it has been classified as a Variant of Uncertain Significance. This sequence change replaces methionine, which is neutral and non-polar, with isoleucine, which is neutral and non-polar, at codon 283 of the BPTF protein (p.Met283Ile).